The following is an entry in ClinVar:

ClinVar aggregate classification (germline): Uncertain significance (1 of 4 stars; one submission).

Submission:

Labcorp Genetics (formerly Invitae), Labcorp
Classification: Uncertain significance. Last evaluated: 2022-04-26. Review status: criteria provided, single submitter. Criteria: Invitae Variant Classification Sherloc (09022015). Collection method: clinical testing. Allele origin: germline.
Comment: In summary, the available evidence is currently insufficient to determine the role of this variant in disease. Therefore, it has been classified as a Variant of Uncertain Significance. Algorithms developed to predict the effect of missense changes on protein structure and function output the following: SIFT: "Tolerated"; PolyPhen-2: "Not Available"; Align-GVGD: "Class C0". The isoleucine amino acid residue is found in multiple mammalian species, which suggests that this missense change does not adversely affect protein function. This variant has not been reported in the literature in individuals affected with ACAN-related conditions. This variant is not present in population databases (gnomAD no frequency). This sequence change replaces threonine, which is neutral and polar, with isoleucine, which is neutral and non-polar, at codon 734 of the ACAN protein (p.Thr734Ile).

NM_001369268.1(ACAN):c.2201C>T (p.Thr734Ile)

Gene: ACAN (aggrecan; plus strand). Cytogenetic location: 15q26.1.
Variant type: single nucleotide variant.
Coding change: c.2201C>T on transcript NM_001369268.1 (MANE Select); coding-DNA position 2201, C replaced by T.
Protein change: p.Thr734Ile; replaces threonine 734 with isoleucine.
Molecular consequence: missense variant.
Genome position (GRCh38, 1-based): chr15:88,851,968, C>T. VCF-style: chr15-88851968-C-T. GRCh37 (hg19) VCF-style: chr15-89395199-C-T.
Other names: c.2201C>T, p.Thr734Ile (NM_001135.4, NM_001411096.1, NM_001411097.1 and 1 more transcripts); short protein forms T734I.
Identifiers: ClinVar variation 1994594 (VCV001994594.4), dbSNP rs1048903167, ClinGen allele CA393714224.